The following is an entry in ClinVar:

NM_001320.7(CSNK2B):c.639G>A (p.Thr213=)

Gene: CSNK2B (casein kinase 2 beta; plus strand). Cytogenetic location: 6p21.33.
Variant type: single nucleotide variant.
Coding change: c.639G>A on transcript NM_001320.7 (MANE Select); coding-DNA position 639, G replaced by A.
Protein change: p.Thr213=; no amino-acid change (threonine 213 retained).
Molecular consequence: synonymous variant.
Genome position (GRCh38, 1-based): chr6:31,669,917, G>A. VCF-style: chr6-31669917-G-A. GRCh37 (hg19) VCF-style: chr6-31637694-G-A.
Other names: c.630G>A, p.Thr210= (NM_001282385.2).
Identifiers: ClinVar variation 3050546 (VCV003050546.2), dbSNP rs144120994, ClinGen allele CA3718703.

ClinVar aggregate classification (germline): Likely benign (0 of 4 stars; one submission).

Conditions:
CSNK2B-related disorder. Also called: CSNK2B-related condition.

gnomAD v4.1: 9 of 1,612,450 alleles (0.00056%); highest among the groups gnomAD compares: Middle Eastern, 0.017%; no homozygotes.

Submission:

PreventionGenetics, part of Exact Sciences
Classification: Likely benign for CSNK2B-related condition. Last evaluated: 2019-02-19. Review status: no assertion criteria provided. Collection method: clinical testing. Allele origin: germline.
Comment: This variant is classified as likely benign based on ACMG/AMP sequence variant interpretation guidelines (Richards et al. 2015 PMID: 25741868, with internal and published modifications).